The following is an entry in ClinVar:

ClinVar aggregate classification (germline): Uncertain significance (1 of 4 stars; one submission).

Conditions:
Singleton-Merten syndrome 1 (SGMRT1). Also called: Widened medullary cavities of bone, aortic calcification, abnormal dentition, and muscular weakness; Syndrome of widened medullary cavities of the metacarpals and phalanges, aortic calcification and abnormal dentition. Identifiers: Orphanet 85191, MedGen C4225427, MONDO:0024535, OMIM 182250.
Aicardi-Goutieres syndrome 7 (AGS7). Identifiers: Orphanet 51, MedGen C3888244, MONDO:0014367, OMIM 615846.

Submission:

Labcorp Genetics (formerly Invitae), Labcorp
Classification: Uncertain significance for Aicardi-Goutieres syndrome 7; Singleton-Merten syndrome 1. Last evaluated: 2022-06-04. Review status: criteria provided, single submitter. Criteria: Invitae Variant Classification Sherloc (09022015). Collection method: clinical testing. Allele origin: germline.
Comment: In summary, the available evidence is currently insufficient to determine the role of this variant in disease. Therefore, it has been classified as a Variant of Uncertain Significance. Algorithms developed to predict the effect of missense changes on protein structure and function are either unavailable or do not agree on the potential impact of this missense change (SIFT: "Tolerated"; PolyPhen-2: "Possibly Damaging"; Align-GVGD: "Class C0"). ClinVar contains an entry for this variant (Variation ID: 1437748). This variant has not been reported in the literature in individuals affected with IFIH1-related conditions. This variant is not present in population databases (gnomAD no frequency). This sequence change replaces isoleucine, which is neutral and non-polar, with valine, which is neutral and non-polar, at codon 613 of the IFIH1 protein (p.Ile613Val).

NM_022168.4(IFIH1):c.1837A>G (p.Ile613Val)

Gene: IFIH1 (interferon induced with helicase C domain 1; minus strand). Cytogenetic location: 2q24.2.
Variant type: single nucleotide variant.
Coding change: c.1837A>G on transcript NM_022168.4 (MANE Select); coding-DNA position 1837, A replaced by G.
Protein change: p.Ile613Val; replaces isoleucine 613 with valine.
Molecular consequence: missense variant.
Genome position (GRCh38, 1-based): chr2:162,277,622, T>C on the plus strand (A>G on the coding strand, the complement: IFIH1 is on the minus strand). VCF-style: chr2-162277622-T-C. GRCh37 (hg19) VCF-style: chr2-163134132-T-C.
Other names: short protein forms I613V.
Identifiers: ClinVar variation 1437748 (VCV001437748.6), dbSNP rs1235926337, ClinGen allele CA348999621.
Genomic context (GRCh38, chr2:162,277,622, plus strand): 5'-CTTCATTATAGAAAGTTTCAAGATGAGTATACGCATCTATCATTCGAATTGTGTCATTAA[T>C]TTGTAGGGCCTCATTGTACTTCCTCAAATGTTCTGCACAAACACGTTCTTTGCGATTTCC-3'
Protein context (NP_071451.2, residues 603-623): HLRKYNEALQ[Ile613Val]NDTIRMIDAY